The following is an entry in ClinVar:

ClinVar aggregate classification (germline): Uncertain significance (1 of 4 stars; one submission).

Conditions:
Inborn genetic diseases. Identifiers: MedGen C0950123, MeSH D030342.

Submission:

Ambry Genetics
Classification: Uncertain significance for Inborn genetic diseases. Last evaluated: 2020-06-10. Review status: criteria provided, single submitter. Criteria: Ambry Variant Classification Scheme 2023. Collection method: clinical testing. Allele origin: germline.
Comment: The c.3053G>A variant (also known as p.R1018K), located in coding exon 12 of the SH3TC2 gene, results from a G to A substitution at nucleotide position 3053. This change occurs in the last base pair of coding exon 12, which makes it likely to have some effect on normal mRNA splicing. In addition to potential splicing impact, this alteration changes the arginine at codon 1018 to lysine, an amino acid with highly similar properties. Both the nucleotide position and amino acid position are not well conserved in available vertebrate species. Using three different splice site prediction tools, this alteration is predicted to result in loss or weakening of the native donor site by spliceAI and ESEfinder respectively, but is not predicted to have a deleterious effect on this splice donor site by BDGP; however, direct evidence is unavailable. In addition, this alteration is predicted to be tolerated by in silico analysis. Since supporting evidence is limited at this time, the clinical significance of this alteration remains unclear.

NM_024577.4(SH3TC2):c.3053G>A (p.Arg1018Lys)

Gene: SH3TC2 (SH3 domain and tetratricopeptide repeats 2; minus strand). Cytogenetic location: 5q32.
Variant type: single nucleotide variant.
Coding change: c.3053G>A on transcript NM_024577.4 (MANE Select); coding-DNA position 3053, G replaced by A.
Protein change: p.Arg1018Lys; replaces arginine 1018 with lysine.
Molecular consequence: missense variant.
Genome position (GRCh38, 1-based): chr5:149,026,572, C>T on the plus strand (G>A on the coding strand, the complement: SH3TC2 is on the minus strand). VCF-style: chr5-149026572-C-T. GRCh37 (hg19) VCF-style: chr5-148406135-C-T.
Other names: short protein forms R1018K.
Identifiers: ClinVar variation 1799285 (VCV001799285.2), dbSNP rs2531770335, ClinGen allele CA361665045.